The following is an entry in ClinVar:

NM_170707.4(LMNA):c.1604G>A (p.Gly535Glu)

Gene: LMNA (lamin A/C; plus strand). Cytogenetic location: 1q22.
Variant type: single nucleotide variant.
Coding change: c.1604G>A on transcript NM_170707.4 (MANE Select); coding-DNA position 1604, G replaced by A.
Protein change: p.Gly535Glu; replaces glycine 535 with glutamic acid.
Molecular consequence: missense variant.
Genome position (GRCh38, 1-based): chr1:156,137,228, G>A. VCF-style: chr1-156137228-G-A. GRCh37 (hg19) VCF-style: chr1-156107019-G-A.
Other names: c.1268G>A, p.Gly423Glu (NM_001257374.3); c.1361G>A, p.Gly454Glu (NM_001282624.2); c.1604G>A, p.Gly535Glu (NM_001282625.2, NM_001282626.2, NM_005572.4 and 1 more transcripts); short protein forms G535E, G454E, G423E.
Identifiers: ClinVar variation 435767 (VCV000435767.17), dbSNP rs747717293, ClinGen allele CA050728.
Genomic context (GRCh38, chr1:156,137,228, plus strand): 5'-AGGCACAGAACACCTGGGGCTGCGGGAACAGCCTGCGTACGGCTCTCATCAACTCCACTG[G>A]GGAAGTAAGTAGGCCTGGGCCTGGCTGCTTGCTGGACGAGGCTCCCCCTGATGGCCAACA-3'
Protein context (NP_733821.1, residues 525-545): SLRTALINST[Gly535Glu]EEVAMRKLVR

ClinVar aggregate classification (germline): Uncertain significance. Review status: criteria provided, multiple submitters, no conflicts (2 of 4 stars). 4 submissions from 4 submitters: Uncertain significance (4). Last evaluated 2024-02-22.

Conditions:
Primary dilated cardiomyopathy (DCM). Also called: Dilated Cardiomyopathy. Identifiers: Orphanet 217604, MedGen C0007193, MeSH D002311, MONDO:0005021, HP:0001644. Inheritance: Various modes of inheritance.
Cardiomyopathy (CMYO). Also called: Cardiomyopathies. Identifiers: Orphanet 167848, MedGen C0878544, MONDO:0004994, HP:0001638. Inheritance: Various modes of inheritance.
Charcot-Marie-Tooth disease type 2. Also called: Charcot-Marie-Tooth type 2. Identifiers: Orphanet 64746, MedGen C0270914, MONDO:0018993.

Allele frequency attached by ClinVar (database versions not stated): gnomAD exomes below 0.00001 and 0.00001; TOPMed 0.00002; gnomAD 0.00001; ExAC 0.00002.
gnomAD v4.1: 6 of 1,581,376 alleles (0.00038%); highest among the groups gnomAD compares: African/African-American, 0.0054%; no homozygotes.

Submissions (4):

All of Us Research Program, National Institutes of Health
Classification: Uncertain significance for Primary dilated cardiomyopathy. Last evaluated: 2024-02-22. Review status: criteria provided, single submitter. Criteria: ACMG Guidelines, 2015. Collection method: clinical testing. Allele origin: germline. Inheritance: Autosomal dominant inheritance. Observed: 1 variant allele, 1 heterozygote.
Comment: This missense variant replaces glycine with glutamic acid at codon 535 of the laminA/C proteins. Computational prediction suggests that this variant may have deleterious impact on protein structure and function (internally defined REVEL score threshold >= 0.7, PMID: 27666373). Splice site prediction tools suggest that this variant may not impact RNA splicing. To our knowledge, functional studies have not been performed for this variant. This variant has not been reported in individuals affected with cardiovascular disorders in the literature. This variant has been identified in 1/195396 chromosomes in the general population by the Genome Aggregation Database (gnomAD). The available evidence is insufficient to determine the role of this variant in disease conclusively. Therefore, this variant is classified as a Variant of Uncertain Significance.

This study involves interpretation of variants in research participants for the purpose of population health screening. Participant phenotype was not available at the time of variant classification. Additional details can be found in publication PMID: 35346344, PMCID: PMC8962531

Labcorp Genetics (formerly Invitae), Labcorp
Classification: Uncertain significance for Charcot-Marie-Tooth disease type 2. Last evaluated: 2024-01-18. Review status: criteria provided, single submitter. Criteria: Invitae Variant Classification Sherloc (09022015). Collection method: clinical testing. Allele origin: germline.
Comment: This sequence change replaces glycine, which is neutral and non-polar, with glutamic acid, which is acidic and polar, at codon 535 of the LMNA protein (p.Gly535Glu). The frequency data for this variant in the population databases is considered unreliable, as metrics indicate poor data quality at this position in the gnomAD database. This missense change has been observed in individual(s) with lipodystrophy (PMID: 33502018). ClinVar contains an entry for this variant (Variation ID: 435767). Advanced modeling of protein sequence and biophysical properties (such as structural, functional, and spatial information, amino acid conservation, physicochemical variation, residue mobility, and thermodynamic stability) performed at Invitae indicates that this missense variant is expected to disrupt LMNA protein function with a positive predictive value of 95%. In summary, the available evidence is currently insufficient to determine the role of this variant in disease. Therefore, it has been classified as a Variant of Uncertain Significance.

Color Diagnostics, LLC DBA Color Health
Classification: Uncertain significance for Cardiomyopathy. Last evaluated: 2023-10-27. Review status: criteria provided, single submitter. Criteria: ACMG Guidelines, 2015. Collection method: clinical testing. Allele origin: germline.
Comment: This missense variant replaces glycine with glutamic acid at codon 535 of the LMNA protein. Computational prediction suggests that this variant may have a deleterious impact on protein structure and function (internally defined REVEL score threshold >= 0.7, PMID: 27666373). To our knowledge, functional studies have not been reported for this variant. This variant has been reported in one individual affected with familial partial lipodystrophy (PMID: 33502018). This variant has been identified in 1/195396 chromosomes in the general population by the Genome Aggregation Database (gnomAD). The available evidence is insufficient to determine the role of this variant in disease conclusively. Therefore, this variant is classified as a Variant of Uncertain Significance.

Genetic Services Laboratory, University of Chicago
Classification: Uncertain significance. Last evaluated: 2016-11-29. Review status: criteria provided, single submitter. Criteria: ACMG Guidelines, 2015. Collection method: clinical testing. Allele origin: germline. Affected: no.

Literature cited by the submitters: PubMed 33502018 (cited by Labcorp Genetics (formerly Invitae), Labcorp and Color Diagnostics, LLC DBA Color Health).